The following is an entry in ClinVar:

ClinVar aggregate classification (germline): Uncertain significance. Review status: criteria provided, multiple submitters, no conflicts (2 of 4 stars). 2 submissions from 2 submitters: Uncertain significance (2). Last evaluated 2025-08-29.

Allele frequency attached by ClinVar (database versions not stated): 1000 Genomes Project 30x 0.00047; 1000 Genomes Project 0.00060; TOPMed 0.00113; ESP Exome Variant Server 0.00161; gnomAD 0.00207; ExAC 0.00243.
gnomAD v4.1: 4,107 of 1,606,754 alleles (0.26%); highest among the groups gnomAD compares: Non-Finnish European, 0.29%; 12 homozygotes.

Submissions (2):

Ambry Genetics
Classification: Uncertain significance. Last evaluated: 2025-08-29. Review status: criteria provided, single submitter. Criteria: Ambry Variant Classification Scheme 2023. Collection method: clinical testing. Allele origin: germline.

Laboratory for Molecular Medicine, Mass General Brigham Personalized Medicine
Classification: Uncertain significance. Last evaluated: 2015-08-25. Review status: criteria provided, single submitter. Criteria: LMM Criteria. Collection method: clinical testing. Allele origin: germline. Observed: 1 variant allele.
Comment: Variant classified as Uncertain Significance - Favor Benign. The p.Asp164Val var iant in TMEM2 has not been previously associated with disease, but has been iden tified in 0.4% (227/65708) of European chromosomes and 0.6% (39/6602) Finnish ch romosomes by the Exome Aggregation Consortium (ExAC. org; dbSNP rs146439095). Computational prediction tools and conservation analysi s suggest that the variant may impact the protein, though this information is no t predictive enough to determine pathogenicity. In summary, while the clinical s ignificance of the p.Lys132Arg variant is uncertain, its frequency suggests that it is more likely to be benign.

NM_013390.3(CEMIP2):c.491A>T (p.Asp164Val)

Gene: CEMIP2 (cell migration inducing hyaluronidase 2; minus strand). Cytogenetic location: 9q21.13.
Variant type: single nucleotide variant.
Coding change: c.491A>T on transcript NM_013390.3 (MANE Select); coding-DNA position 491, A replaced by T.
Protein change: p.Asp164Val; replaces aspartic acid 164 with valine.
Molecular consequence: missense variant. On other transcripts: 5 prime UTR variant (1).
Genome position (GRCh38, 1-based): chr9:71,745,561, T>A on the plus strand (A>T on the coding strand, the complement: CEMIP2 is on the minus strand). VCF-style: chr9-71745561-T-A. GRCh37 (hg19) VCF-style: chr9-74360477-T-A.
Other names: c.491A>T, p.Asp164Val (NM_001135820.2); c.-1390A>T (NM_001349784.2); short protein forms D164V.
Identifiers: ClinVar variation 229320 (VCV000229320.6), dbSNP rs146439095, ClinGen allele CA5080183.